The following is an entry in ClinVar:

NM_005359.6(SMAD4):c.1659A>C (p.Ter553Cys)

Gene: SMAD4 (SMAD family member 4; plus strand). Cytogenetic location: 18q21.2.
Variant type: single nucleotide variant.
Coding change: c.1659A>C on transcript NM_005359.6 (MANE Select); coding-DNA position 1659, A replaced by C.
Protein change: p.Ter553Cys.
Molecular consequence: stop lost. On other transcripts: non-coding transcript variant (1).
Genome position (GRCh38, 1-based): chr18:51,078,467, A>C. VCF-style: chr18-51078467-A-C. GRCh37 (hg19) VCF-style: chr18-48604837-A-C.
Other names: c.1659A>C, p.Ter553Cys (NM_001407041.1, NM_001407042.1).
Identifiers: ClinVar variation 3148177 (VCV003148177.1), dbSNP rs2144479914, ClinGen allele CA402466249.

ClinVar aggregate classification (germline): Likely pathogenic (1 of 4 stars; one submission).

Conditions:
Juvenile polyposis/hereditary hemorrhagic telangiectasia syndrome (JPHT). Also called: Juvenile Polyposis Syndrome / Hereditary Hemorrhagic Telangiectasia (JPS/HHT); JP/HHT SYNDROME; JUVENILE POLYPOSIS WITH HEREDITARY HEMORRHAGIC TELANGIECTASIA; POLYPOSIS, GENERALIZED JUVENILE, WITH PULMONARY ARTERIOVENOUS MALFORMATION; TELANGIECTASIA, HEREDITARY HEMORRHAGIC, WITH JUVENILE POLYPOSIS COLI. Identifiers: Orphanet 2929, MedGen C1832942, MONDO:0008278, OMIM 175050.

Submission:

Myriad Genetics, Inc.
Classification: Likely pathogenic for Juvenile polyposis/hereditary hemorrhagic telangiectasia syndrome. Last evaluated: 2024-02-09. Review status: criteria provided, single submitter. Criteria: Myriad Autosomal Dominant, Autosomal Recessive and X-Linked Classification Criteria (2023). Collection method: clinical testing. Allele origin: unknown.
Comment: This variant is considered likely pathogenic. This variant creates a frameshift predicted to result in the incorporation of abnormal amino acid sequence into the protein product and abnormal protein elongation. Functional studies indicate this variant impacts protein function [PMID: 32719554].

Literature cited by the submitters: PubMed 32719554.